The following is an entry in ClinVar:

ClinVar aggregate classification (germline): Likely pathogenic (1 of 4 stars; one submission).

Conditions:
Autosomal recessive Alport syndrome (ATS2). Also called: Alport syndrome type 2; COL4A4 Alport Syndrome and Thin Basement Membrane Nephropathy; ALPORT SYNDROME 2, AUTOSOMAL RECESSIVE; COL4A3-Related Nephropathy. Identifiers: Orphanet 63, Orphanet 88919, MedGen C4746745, MONDO:0008762, OMIM 203780.

Submission:

Myriad Genetics, Inc.
Classification: Likely pathogenic for Autosomal recessive Alport syndrome. Last evaluated: 2021-12-31. Review status: criteria provided, single submitter. Criteria: Myriad Women's Health Autosomal Recessive and X-Linked Classification Criteria (2021). Collection method: clinical testing. Allele origin: unknown.
Comment: NM_000091.4(COL4A3):c.1361delC(P454Qfs*4) is expected to be pathogenic in the context of COL4A3-related Alport syndrome. This variant is predicted to lead to an abnormal or absent protein product due to the creation of a premature termination codon in COL4A3, a gene where loss-of-function variants are known to be pathogenic. Please note: this variant was assessed in the context of healthy population screening.

NM_000091.5(COL4A3):c.1361del (p.Pro454fs)

Genes: MFF-DT (MFF divergent transcript; minus strand), COL4A3 (collagen type IV alpha 3 chain; plus strand). Cytogenetic location: 2q36.3.
Variant type: Deletion.
Coding change: c.1361del on transcript NM_000091.5 (MANE Select); coding-DNA position 1361, one base deleted (C; older notation c.1361delC).
Protein change: p.Pro454fs; shifts the reading frame from proline 454.
Molecular consequence: frameshift variant.
Genome position (GRCh38, 1-based): chr2:227,266,462, C deleted; the last of 2 consecutive C bases (chr2:227,266,461-227,266,462); deleting either gives the same sequence. VCF-style (leftmost placement, unchanged base first): chr2-227266460-GC-G. GRCh37 (hg19) VCF-style: chr2-228131176-GC-G.
Other names: short protein forms P454fs.
Identifiers: ClinVar variation 1726716 (VCV001726716.2), dbSNP rs2469651883, ClinGen allele CA2580065925.
Genomic context (GRCh38, chr2:227,266,460, plus strand): 5'-GTGCTGTATTTTTATAGGTGACATCGTTTTTCGCAAGGGTCCACCTGGAGATCACGGACT[GC>G]CAGGCTATCTAGGGTCTCCAGGAATCCCAGGAGTTGATGGGCCCAAAGGTTGGTTCAATC-3'